The following is an entry in ClinVar:

NM_033305.3(VPS13A):c.3481dup (p.Val1161fs)

Gene: VPS13A (vacuolar protein sorting 13 homolog A; plus strand). Cytogenetic location: 9q21.2.
Variant type: Duplication.
Coding change: c.3481dup on transcript NM_033305.3 (MANE Select); coding-DNA position 3481, one base duplicated (G; older notation c.3481dupG).
Protein change: p.Val1161fs; shifts the reading frame from valine 1161.
Molecular consequence: frameshift variant.
Genome position (GRCh38, 1-based): chr9:77,293,482, G duplicated. VCF-style (leftmost placement, unchanged base first): chr9-77293481-T-TG. GRCh37 (hg19) VCF-style: chr9-79908397-T-TG.
Other names: c.3364dup, p.Val1122fs (NM_001018037.2); c.3481dup, p.Val1161fs (NM_001018038.3, NM_015186.4); short protein forms V1122fs, V1161fs.
Identifiers: ClinVar variation 1076424 (VCV001076424.8), dbSNP rs2131372034, ClinGen allele CA2499219947.

ClinVar aggregate classification (germline): Pathogenic. Review status: criteria provided, multiple submitters, no conflicts (2 of 4 stars). 2 submissions from 2 submitters: Pathogenic (2). Last evaluated 2024-11-15.

Conditions:
VPS13A-related neurodegenerative disease. Also called: ACANTHOCYTOSIS WITH NEUROLOGIC DISORDER; LEVINE-CRITCHLEY SYNDROME; Choreoacanthocytosis; Chorea-acanthocytosis; VPS13A Disease; Choreaacanthocytosis. Identifiers: Orphanet 2388, MedGen C0393576, MONDO:0008695, OMIM 200150.

Submissions (2):

Myriad Genetics, Inc.
Classification: Pathogenic for VPS13A-related neurodegenerative disease. Last evaluated: 2024-11-15. Review status: criteria provided, single submitter. Criteria: Myriad Autosomal Dominant, Autosomal Recessive and X-Linked Classification Criteria (2023). Collection method: clinical testing. Allele origin: unknown.
Comment: NM_033305.2(VPS13A):c.3481dupG(V1161Gfs*14) is expected to be pathogenic in the context of VPS13A disease. This variant is predicted to lead to an abnormal or absent protein product due to the creation of a premature termination codon in VPS13A, a gene where loss-of-function variants are known to be pathogenic. Please note: this variant was assessed in the context of healthy population screening.

Labcorp Genetics (formerly Invitae), Labcorp
Classification: Pathogenic. Last evaluated: 2024-01-23. Review status: criteria provided, single submitter. Criteria: Invitae Variant Classification Sherloc (09022015). Collection method: clinical testing. Allele origin: germline.
Comment: This sequence change creates a premature translational stop signal (p.Val1161Glyfs*14) in the VPS13A gene. It is expected to result in an absent or disrupted protein product. Loss-of-function variants in VPS13A are known to be pathogenic (PMID: 12404112, 21598378). This variant is not present in population databases (gnomAD no frequency). This variant has not been reported in the literature in individuals affected with VPS13A-related conditions. ClinVar contains an entry for this variant (Variation ID: 1076424). For these reasons, this variant has been classified as Pathogenic.

Literature cited by the submitters: PubMed 12404112 (cited by Labcorp Genetics (formerly Invitae), Labcorp); PubMed 21598378 (cited by Labcorp Genetics (formerly Invitae), Labcorp).